The following is an entry in ClinVar:

NM_007126.5(VCP):c.269A>G (p.Asn90Ser)

Gene: VCP (valosin containing protein; minus strand). Cytogenetic location: 9p13.3.
Variant type: single nucleotide variant.
Coding change: c.269A>G on transcript NM_007126.5 (MANE Select); coding-DNA position 269, A replaced by G.
Protein change: p.Asn90Ser; replaces asparagine 90 with serine.
Molecular consequence: missense variant.
Genome position (GRCh38, 1-based): chr9:35,067,924, T>C on the plus strand (A>G on the coding strand, the complement: VCP is on the minus strand). VCF-style: chr9-35067924-T-C. GRCh37 (hg19) VCF-style: chr9-35067921-T-C.
Other names: c.134A>G, p.Asn45Ser (NM_001354927.2, NM_001354928.2); short protein forms N45S, N90S.
Identifiers: ClinVar variation 3753917 (VCV003753917.2).
Genomic context (GRCh38, chr9:35,067,924, plus strand): 5'-CTGTGAAGCCAAAAACCCCACACACACCTGATGACATCCCCTAGGCGTACACGAAGGTTA[T>C]TCCGAACAACTCTATTCATCCGAATCTTCTCATCAGAACAAGTATCATCAGAAAGGACGA-3'
Protein context (NP_009057.1, residues 80-100): EKIRMNRVVR[Asn90Ser]NLRVRLGDVI

ClinVar aggregate classification (germline): Uncertain significance (1 of 4 stars; one submission).

Conditions:
Frontotemporal dementia and/or amyotrophic lateral sclerosis 6 (FTDALS6). Also called: VCP-Related Amyotrophic Lateral Sclerosis; VCP-Related Amyotrophic Lateral Sclerosis/Frontotemporal Dementia. Identifiers: Orphanet 275872, Orphanet 803, MedGen C5436279, MONDO:0013501, OMIM 613954.
Inclusion body myopathy with Paget disease of bone and frontotemporal dementia. Also called: Inclusion body myopathy with early-onset Paget disease and frontotemporal dementia. Identifiers: Orphanet 52430, MedGen C1833662, MONDO:0000507.

Submission:

Labcorp Genetics (formerly Invitae), Labcorp
Classification: Uncertain significance for Inclusion body myopathy with Paget disease of bone and frontotemporal dementia; Frontotemporal dementia and/or amyotrophic lateral sclerosis 6. Last evaluated: 2024-08-09. Review status: criteria provided, single submitter. Criteria: Invitae Variant Classification Sherloc (09022015). Collection method: clinical testing. Allele origin: germline.
Comment: This sequence change replaces asparagine, which is neutral and polar, with serine, which is neutral and polar, at codon 90 of the VCP protein (p.Asn90Ser). This variant is not present in population databases (gnomAD no frequency). This variant has not been reported in the literature in individuals affected with VCP-related conditions. Advanced modeling of protein sequence and biophysical properties (such as structural, functional, and spatial information, amino acid conservation, physicochemical variation, residue mobility, and thermodynamic stability) performed at Invitae indicates that this missense variant is not expected to disrupt VCP protein function with a negative predictive value of 95%. In summary, the available evidence is currently insufficient to determine the role of this variant in disease. Therefore, it has been classified as a Variant of Uncertain Significance.